The following is an entry in ClinVar:

ClinVar aggregate classification (germline): Uncertain significance. Review status: criteria provided, multiple submitters, no conflicts (2 of 4 stars). 3 submissions from 3 submitters: Uncertain significance (3). Last evaluated 2025-04-08.

Conditions:
Polycystic kidney disease, adult type (PKD1). Also called: POLYCYSTIC KIDNEY DISEASE 1 WITH OR WITHOUT POLYCYSTIC LIVER DISEASE; Polycystic Kidney Disease 1, Autosomal Dominant; Polycystic kidney disease 1; Polycystic kidney disease 1, severe; Polycystic Kidney, Autosomal Dominant; POLYCYSTIC KIDNEY DISEASE, ADULT, TYPE I. Identifiers: MedGen C3149841, MONDO:0008263, OMIM 173900.

Allele frequency attached by ClinVar (database versions not stated): gnomAD exomes 0.00001; TOPMed 0.00001.

Submissions (3):

Genetic Services Laboratory, University of Chicago
Classification: Uncertain significance. Last evaluated: 2025-04-08. Review status: criteria provided, single submitter. Criteria: ACMG Guidelines, 2015. Collection method: clinical testing. Allele origin: germline.
Comment: The c.3037G>A variant: Results in an amino acid change, p.Val1013Met. Does not appear to have been previously described in individuals with PKD1-related disorders. Has not been described in population databases such as gnomAD v4. Is reported in the gnomAD v4 database with a frequency of 0.005% in the Finnish subpopulation (dbSNP rs1301518884). Affects a highly conserved amino acid residue located in a domain of the PKD1 protein that is known to be functional. In-silico pathogenicity prediction tools provide contradictory results for the p.Val1013Met substitution. ClinVar contains an entry for this variant (Variation ID: 930522). Due to insufficient evidence and the lack of functional studies, the clinical significance of the p.Val1013Met variant remains unknown at this time.

MVZ Martinsried, Medicover Genetics
Classification: Uncertain significance for Polycystic kidney disease, adult type. Last evaluated: 2019-10-23. Review status: criteria provided, single submitter. Criteria: ACMG Guidelines, 2015. Collection method: clinical testing. Allele origin: unknown. Affected: yes.

Centre for Mendelian Genomics, University Medical Centre Ljubljana
Classification: Uncertain significance for Polycystic kidney disease, adult type. Last evaluated: 2019-08-19. Review status: criteria provided, single submitter. Criteria: ACMG Guidelines, 2015. Collection method: clinical testing. Allele origin: unknown. Affected: yes.
Comment: This variant was classified as: Uncertain significance. The available evidence on this variant's pathogenicity is insufficient or conflicting. The following ACMG criteria were applied in classifying this variant: PP3.

NM_001009944.3(PKD1):c.3037G>A (p.Val1013Met)

Gene: PKD1 (polycystin 1, transient receptor potential channel interacting; minus strand). Cytogenetic location: 16p13.3.
Variant type: single nucleotide variant.
Coding change: c.3037G>A on transcript NM_001009944.3 (MANE Select); coding-DNA position 3037, G replaced by A.
Protein change: p.Val1013Met; replaces valine 1013 with methionine.
Molecular consequence: missense variant.
Genome position (GRCh38, 1-based): chr16:2,112,912, C>T on the plus strand (G>A on the coding strand, the complement: PKD1 is on the minus strand). VCF-style: chr16-2112912-C-T. GRCh37 (hg19) VCF-style: chr16-2162913-C-T.
Other names: c.3037G>A, p.Val1013Met (NM_000296.4); short protein forms V1013M.
Identifiers: ClinVar variation 930522 (VCV000930522.5), dbSNP rs1301518884, ClinGen allele CA394384955.